The following is an entry in ClinVar:

ClinVar aggregate classification (germline): Benign/Likely benign. Review status: criteria provided, multiple submitters, no conflicts (2 of 4 stars). 7 submissions from 7 submitters: Benign (2); Likely benign (4). 1 of the submissions does not count toward it. Last evaluated 2026-06-01.

Conditions:
ZNF469-related disorder. Also called: ZNF469-related condition.
Brittle cornea syndrome 1 (BCS1). Also called: Corneal fragility keratoglobus, blue sclerae AND joint hypermobility; CORNEAL FRAGILITY, KERATOGLOBUS, BLUE SCLERAE, JOINT HYPEREXTENSIBILITY; EDS6B; DYSGENESIS MESODERMALIS CORNEAE ET SCLERAE; FRAGILITAS OCULI WITH JOINT HYPEREXTENSIBILITY. Identifiers: Orphanet 90354, MedGen C0268344, MONDO:0024543, OMIM 229200.
Cardiovascular phenotype. Identifiers: MedGen CN230736.

Allele frequency attached by ClinVar (database versions not stated): 1000 Genomes Project 30x 0.00078; 1000 Genomes Project 0.00080.
gnomAD v4.1: 160 of 1,548,436 alleles (0.01%); highest among the groups gnomAD compares: East Asian, 0.35%; 2 homozygotes.

Submissions (7):

CeGaT Center for Human Genetics Tuebingen
Classification: Likely benign. Last evaluated: 2026-06-01. Review status: criteria provided, single submitter. Criteria: CeGaT Center For Human Genetics Tuebingen Variant Classification Criteria Version 2. Collection method: clinical testing. Allele origin: germline. Affected: yes. Observed: 1 variant allele.
Comment: ZNF469: BP4, BP7

Women's Health and Genetics/Laboratory Corporation of America, LabCorp
Classification: Likely benign. Last evaluated: 2026-03-31. Review status: criteria provided, single submitter. Criteria: LabCorp Variant Classification Summary - May 2015. Collection method: clinical testing. Allele origin: germline.

Labcorp Genetics (formerly Invitae), Labcorp
Classification: Benign. Last evaluated: 2026-02-03. Review status: criteria provided, single submitter. Criteria: Invitae Variant Classification Sherloc (09022015). Collection method: clinical testing. Allele origin: germline.

Genome-Nilou Lab
Classification: Benign for Brittle cornea syndrome 1. Last evaluated: 2021-12-05. Review status: criteria provided, single submitter. Criteria: ACMG Guidelines, 2015. Collection method: clinical testing. Allele origin: germline. Affected: no.

Ambry Genetics
Classification: Likely benign for Cardiovascular phenotype. Last evaluated: 2021-02-01. Review status: criteria provided, single submitter. Criteria: Ambry Variant Classification Scheme 2023. Collection method: clinical testing. Allele origin: germline.

GeneDx
Classification: Likely benign. Last evaluated: 2020-06-08. Review status: criteria provided, single submitter. Criteria: GeneDx Variant Classification Process June 2021. Collection method: clinical testing. Allele origin: germline. Affected: yes.

PreventionGenetics, part of Exact Sciences
Classification: Likely benign for ZNF469-related condition. Last evaluated: 2024-09-26. Review status: no assertion criteria provided. Collection method: clinical testing. Allele origin: germline. Not counted in ClinVar's aggregate classification.
Comment: This variant is classified as likely benign based on ACMG/AMP sequence variant interpretation guidelines (Richards et al. 2015 PMID: 25741868, with internal and published modifications).

NM_001367624.2(ZNF469):c.6414G>T (p.Ser2138=)

Gene: ZNF469 (zinc finger protein 469; plus strand). Cytogenetic location: 16q24.2.
Variant type: single nucleotide variant.
Coding change: c.6414G>T on transcript NM_001367624.2 (MANE Select); coding-DNA position 6414, G replaced by T.
Protein change: p.Ser2138=; no amino-acid change (serine 2138 retained).
Molecular consequence: synonymous variant.
Genome position (GRCh38, 1-based): chr16:88,433,884, G>T. VCF-style: chr16-88433884-G-T. GRCh37 (hg19) VCF-style: chr16-88500292-G-T.
Other names: NM_001127464.1:c.6330G>T; NM_001127464.2:c.6330G>T.
Identifiers: ClinVar variation 1198862 (VCV001198862.17), dbSNP rs548774131, ClinGen allele CA8225151.